The following is an entry in ClinVar:

ClinVar aggregate classification (germline): Uncertain significance (1 of 4 stars; one submission).

Conditions:
Cardiovascular phenotype. Identifiers: MedGen CN230736.

Submission:

Ambry Genetics
Classification: Uncertain significance for Cardiovascular phenotype. Last evaluated: 2025-06-06. Review status: criteria provided, single submitter. Criteria: Ambry Variant Classification Scheme 2023. Collection method: clinical testing. Allele origin: germline.
Comment: The c.1620_1621delACinsGG variant, located in coding exon 28 of the TRDN gene, results from an in-frame deletion of AC and insertion of GG at nucleotide positions 1620 to 1621. This results in the substitution of the residue for a residue at codon 540, an amino acid with highly similar properties. This amino acid region ranges from well to not well conserved in available vertebrate species. In addition, this variant is predicted to be neutral by in silico analysis (Choi Y et al. PLoS ONE. 2012; 7(10):e46688). Based on the available evidence, the clinical significance of this variant remains unclear.

NM_006073.4(TRDN):c.1620_1621delinsGG (p.Ile540_His541delinsMetAsp)

Gene: TRDN (triadin; minus strand). Cytogenetic location: 6q22.31.
Variant type: Indel.
Coding change: c.1620_1621delinsGG on transcript NM_006073.4 (MANE Select); coding-DNA positions 1620 to 1621, AC replaced by GG.
Protein change: p.Ile540_His541delinsMetAsp.
Molecular consequence: missense variant.
Genome position (GRCh38, 1-based): chr6:123,273,340-123,273,341, GT replaced by CC on the plus strand (AC replaced by GG on the coding strand, the reverse complement: TRDN is on the minus strand). VCF-style: chr6-123273340-GT-CC. GRCh37 (hg19) VCF-style: chr6-123594485-GT-CC.
Identifiers: ClinVar variation 3973124 (VCV003973124.1).